The following is an entry in ClinVar:

ClinVar aggregate classification (germline): Pathogenic (1 of 4 stars; one submission).

Submission:

Labcorp Genetics (formerly Invitae), Labcorp
Classification: Pathogenic. Last evaluated: 2022-09-19. Review status: criteria provided, single submitter. Criteria: Invitae Variant Classification Sherloc (09022015). Collection method: clinical testing. Allele origin: germline.
Comment: This variant is not present in population databases (gnomAD no frequency). For these reasons, this variant has been classified as Pathogenic. ClinVar contains an entry for this variant (Variation ID: 1411562). This variant has not been reported in the literature in individuals affected with CLPP-related conditions. This sequence change creates a premature translational stop signal (p.Pro164Glnfs*13) in the CLPP gene. It is expected to result in an absent or disrupted protein product. Loss-of-function variants in CLPP are known to be pathogenic (PMID: 23851121, 27899912).

Literature cited by the submitters: PubMed 23851121; PubMed 27899912.

NM_006012.4(CLPP):c.491del (p.Pro164fs)

Gene: CLPP (caseinolytic mitochondrial matrix peptidase proteolytic subunit; plus strand). Cytogenetic location: 19p13.3.
Variant type: Deletion.
Coding change: c.491del on transcript NM_006012.4 (MANE Select); coding-DNA position 491, one base deleted (C; older notation c.491delC).
Protein change: p.Pro164fs; shifts the reading frame from proline 164.
Molecular consequence: frameshift variant.
Genome position (GRCh38, 1-based): chr19:6,364,575, C deleted; the last of 4 consecutive C bases (chr19:6,364,572-6,364,575); deleting any one gives the same sequence. VCF-style (leftmost placement, unchanged base first): chr19-6364571-AC-A. GRCh37 (hg19) VCF-style: chr19-6364582-AC-A.
Other names: short protein forms P164fs.
Identifiers: ClinVar variation 1411562 (VCV001411562.6), dbSNP rs2145051196, ClinGen allele CA2573155867.
Genomic context (GRCh38, chr19:6,364,571, plus strand): 5'-ATCTGCACCTGGTGCGTGGGCCAGGCCGCCAGCATGGGCTCCCTGCTTCTCGCCGCCGGC[AC>A]CCCAGGCATGCGCCACTCGCTCCCCAACTCCCGTATCATGATCCACCAGCCCTCAGGAGG-3'